The following is an entry in ClinVar:

NM_032119.4(ADGRV1):c.7452A>T (p.Lys2484Asn)

Gene: ADGRV1 (adhesion G protein-coupled receptor V1; plus strand). Cytogenetic location: 5q14.3.
Variant type: single nucleotide variant.
Coding change: c.7452A>T on transcript NM_032119.4 (MANE Select); coding-DNA position 7452, A replaced by T.
Protein change: p.Lys2484Asn; replaces lysine 2484 with asparagine.
Molecular consequence: missense variant. On other transcripts: non-coding transcript variant (1).
Genome position (GRCh38, 1-based): chr5:90,694,208, A>T. VCF-style: chr5-90694208-A-T. GRCh37 (hg19) VCF-style: chr5-89990025-A-T.
Other names: short protein forms K2484N.
Identifiers: ClinVar variation 46372 (VCV000046372.4), dbSNP rs397517437, ClinGen allele CA138210.

ClinVar aggregate classification (germline): Uncertain significance (1 of 4 stars; one submission).

Submission:

Laboratory for Molecular Medicine, Mass General Brigham Personalized Medicine
Classification: Uncertain significance. Last evaluated: 2013-01-30. Review status: criteria provided, single submitter. Criteria: LMM Criteria. Collection method: clinical testing. Allele origin: germline. Inheritance: Autosomal recessive inheritance. Observed: 1 variant allele.
Comment: Variant classified as Uncertain Significance - Favor Pathogenic. The Lys2484Asn variant in GPR98 has not been reported in the literature nor previously identifi ed by our laboratory. Computational analyses (biochemical amino acid properties, conservation, PolyPhen2, and SIFT) suggest that the Lys2484Asn variant may impa ct the protein, though this information is not predictive enough to determine pa thogenicity. In summary, additional information is needed to determine the clini cal significance of this variant; however, based upon the computational predicti on data, we would lean towards a more likely pathogenic role.